The following is an entry in ClinVar:

ClinVar aggregate classification (germline): Pathogenic/Likely pathogenic. Review status: criteria provided, multiple submitters, no conflicts (2 of 4 stars). 2 submissions from 2 submitters: Pathogenic (1); Likely pathogenic (1). Last evaluated 2024-10-17.

Conditions:
Developmental and epileptic encephalopathy, 54. Also called: HNRNPU-Related Neurodevelopmental Disorder; Epileptic encephalopathy, early infantile, 54. Identifiers: MedGen C4479319, MONDO:0033363, OMIM 617391.

Submissions (2):

Labcorp Genetics (formerly Invitae), Labcorp
Classification: Pathogenic for Developmental and epileptic encephalopathy, 54. Last evaluated: 2024-10-17. Review status: criteria provided, single submitter. Criteria: Invitae Variant Classification Sherloc (09022015). Collection method: clinical testing. Allele origin: germline.
Comment: This sequence change creates a premature translational stop signal (p.Gln477*) in the HNRNPU gene. It is expected to result in an absent or disrupted protein product. Loss-of-function variants in HNRNPU are known to be pathogenic (PMID: 22678713, 28283832). This variant is not present in population databases (gnomAD no frequency). This variant has not been reported in the literature in individuals affected with HNRNPU-related conditions. ClinVar contains an entry for this variant (Variation ID: 988469). For these reasons, this variant has been classified as Pathogenic.

Clinical Genetics and Genomics, Karolinska University Hospital
Classification: Likely pathogenic. Last evaluated: 2016-02-25. Review status: criteria provided, single submitter. Criteria: ACMG Guidelines, 2015. Collection method: clinical testing. Allele origin: germline. Affected: yes. Observed: 1 variant allele.

Literature cited by the submitters: PubMed 22678713 (cited by Labcorp Genetics (formerly Invitae), Labcorp); PubMed 28283832 (cited by Labcorp Genetics (formerly Invitae), Labcorp).

NM_031844.3(HNRNPU):c.1429C>T (p.Gln477Ter)

Gene: HNRNPU (heterogeneous nuclear ribonucleoprotein U; minus strand). Cytogenetic location: 1q44.
Variant type: single nucleotide variant.
Coding change: c.1429C>T on transcript NM_031844.3 (MANE Select); coding-DNA position 1429, C replaced by T.
Protein change: p.Gln477Ter; replaces glutamine 477 with a stop codon.
Molecular consequence: nonsense.
Genome position (GRCh38, 1-based): chr1:244,858,076, G>A on the plus strand (C>T on the coding strand, the complement: HNRNPU is on the minus strand). VCF-style: chr1-244858076-G-A. GRCh37 (hg19) VCF-style: chr1-245021378-G-A.
Other names: c.1372C>T, p.Gln458Ter (NM_004501.3); short protein forms Q458*, Q477*.
Identifiers: ClinVar variation 988469 (VCV000988469.4), dbSNP rs1680727391, ClinGen allele CA345491645.